The following is an entry in ClinVar:

ClinVar aggregate classification (germline): Uncertain significance. Review status: criteria provided, multiple submitters, no conflicts (2 of 4 stars). 3 submissions from 3 submitters: Uncertain significance (2). 1 of the submissions does not count toward it. Last evaluated 2024-11-22.

Conditions:
Inborn genetic diseases. Identifiers: MedGen C0950123, MeSH D030342.
Baller-Gerold syndrome (BGS). Also called: CRANIOSYNOSTOSIS WITH RADIAL DEFECTS. Identifiers: Orphanet 1225, MedGen C0265308, MONDO:0009039, OMIM 218600.

Allele frequency attached by ClinVar (database versions not stated): TOPMed below 0.00001; gnomAD exomes 0.00002 and 0.00003; ExAC 0.00007.

Submissions (3):

Ambry Genetics
Classification: Uncertain significance for Inborn genetic diseases. Last evaluated: 2024-11-22. Review status: criteria provided, single submitter. Criteria: Ambry Variant Classification Scheme 2023. Collection method: clinical testing. Allele origin: germline.
Comment: The p.G507S variant (also known as c.1519G>A), located in coding exon 9 of the RECQL4 gene, results from a G to A substitution at nucleotide position 1519. The glycine at codon 507 is replaced by serine, an amino acid with similar properties. This amino acid position is conserved. In addition, this alteration is predicted to be deleterious by in silico analysis. Based on the available evidence, the clinical significance of this variant remains unclear.

Labcorp Genetics (formerly Invitae), Labcorp
Classification: Uncertain significance for Baller-Gerold syndrome. Last evaluated: 2023-06-09. Review status: criteria provided, single submitter. Criteria: Invitae Variant Classification Sherloc (09022015). Collection method: clinical testing. Allele origin: germline.
Comment: In summary, the available evidence is currently insufficient to determine the role of this variant in disease. Therefore, it has been classified as a Variant of Uncertain Significance. This variant has not been reported in the literature in individuals affected with RECQL4-related conditions. ClinVar contains an entry for this variant (Variation ID: 135175). Advanced modeling of protein sequence and biophysical properties (such as structural, functional, and spatial information, amino acid conservation, physicochemical variation, residue mobility, and thermodynamic stability) performed at Invitae indicates that this missense variant is expected to disrupt RECQL4 protein function. This sequence change replaces glycine, which is neutral and non-polar, with serine, which is neutral and polar, at codon 507 of the RECQL4 protein (p.Gly507Ser). The frequency data for this variant in the population databases is considered unreliable, as metrics indicate poor data quality at this position in the gnomAD database.

ITMI
No classification provided. Condition: AllHighlyPenetrant. Last evaluated: 2013-09-19. Review status: no classification provided. Collection method: reference population. Allele origin: germline. Not counted in ClinVar's aggregate classification.
Comment: Please see associated publication for description of ethnicities

Literature cited by the submitters: PubMed 24728327 (cited by ITMI).

NM_004260.4(RECQL4):c.1519G>A (p.Gly507Ser)

Gene: RECQL4 (RecQ like helicase 4; minus strand). Cytogenetic location: 8q24.3.
Variant type: single nucleotide variant.
Coding change: c.1519G>A on transcript NM_004260.4 (MANE Select); coding-DNA position 1519, G replaced by A.
Protein change: p.Gly507Ser; replaces glycine 507 with serine.
Molecular consequence: missense variant.
Genome position (GRCh38, 1-based): chr8:144,515,037, C>T on the plus strand (G>A on the coding strand, the complement: RECQL4 is on the minus strand). VCF-style: chr8-144515037-C-T. GRCh37 (hg19) VCF-style: chr8-145740421-C-T.
Other names: short protein forms G507S.
Identifiers: ClinVar variation 135175 (VCV000135175.7), dbSNP rs587778655, ClinGen allele CA161906.